The following is an entry in ClinVar:

NM_006218.4(PIK3CA):c.1201C>T (p.Arg401Ter)

Gene: PIK3CA (phosphatidylinositol-4,5-bisphosphate 3-kinase catalytic subunit alpha; plus strand). Cytogenetic location: 3q26.32.
Variant type: single nucleotide variant.
Coding change: c.1201C>T on transcript NM_006218.4 (MANE Select); coding-DNA position 1201, C replaced by T.
Protein change: p.Arg401Ter; replaces arginine 401 with a stop codon.
Molecular consequence: nonsense.
Genome position (GRCh38, 1-based): chr3:179,209,650, C>T. VCF-style: chr3-179209650-C-T. GRCh37 (hg19) VCF-style: chr3-178927438-C-T.
Other names: short protein forms R401*.
Identifiers: ClinVar variation 2446088 (VCV002446088.2), dbSNP rs2108399279, ClinGen allele CA355261413.
Genomic context (GRCh38, chr3:179,209,650, plus strand): 5'-CATAGGTGGAATGAATGGCTGAATTATGATATATACATTCCTGATCTTCCTCGTGCTGCT[C>T]GACTTTGCCTTTCCATTTGCTCTGTTAAAGGCCGAAAGGGTGCTAAAGAGGTAAAGTATT-3'

ClinVar aggregate classification (germline): Uncertain significance (1 of 4 stars; one submission).

Submission:

GeneDx
Classification: Uncertain significance. Last evaluated: 2024-10-06. Review status: criteria provided, single submitter. Criteria: GeneDx Variant Classification Process June 2021. Collection method: clinical testing. Allele origin: germline.
Comment: Not observed at significant frequency in large population cohorts (gnomAD); Nonsense variant predicted to result in protein truncation or nonsense mediated decay in a gene or region of a gene for which loss of function is not a well-established mechanism of disease; Has not been previously published as pathogenic or benign to our knowledge